The following is an entry in ClinVar:

NM_001041.4(SI):c.2438C>A (p.Pro813His)

Gene: SI (sucrase-isomaltase; minus strand). Cytogenetic location: 3q26.1.
Variant type: single nucleotide variant.
Coding change: c.2438C>A on transcript NM_001041.4 (MANE Select); coding-DNA position 2438, C replaced by A.
Protein change: p.Pro813His; replaces proline 813 with histidine.
Molecular consequence: missense variant.
Genome position (GRCh38, 1-based): chr3:165,036,466, G>T on the plus strand (C>A on the coding strand, the complement: SI is on the minus strand). VCF-style: chr3-165036466-G-T. GRCh37 (hg19) VCF-style: chr3-164754254-G-T.
Other names: short protein forms P813H.
Identifiers: ClinVar variation 1389179 (VCV001389179.6), dbSNP rs2108211695, ClinGen allele CA355048025.

ClinVar aggregate classification (germline): Uncertain significance (1 of 4 stars; one submission).

Submission:

Labcorp Genetics (formerly Invitae), Labcorp
Classification: Uncertain significance. Last evaluated: 2022-08-23. Review status: criteria provided, single submitter. Criteria: Invitae Variant Classification Sherloc (09022015). Collection method: clinical testing. Allele origin: germline.
Comment: In summary, the available evidence is currently insufficient to determine the role of this variant in disease. Therefore, it has been classified as a Variant of Uncertain Significance. This sequence change replaces proline, which is neutral and non-polar, with histidine, which is basic and polar, at codon 813 of the SI protein (p.Pro813His). This variant is not present in population databases (gnomAD no frequency). This variant has not been reported in the literature in individuals affected with SI-related conditions. ClinVar contains an entry for this variant (Variation ID: 1389179). Advanced modeling of protein sequence and biophysical properties (such as structural, functional, and spatial information, amino acid conservation, physicochemical variation, residue mobility, and thermodynamic stability) performed at Invitae indicates that this missense variant is expected to disrupt SI protein function.